The following is an entry in ClinVar:

ClinVar aggregate classification (germline): Uncertain significance (1 of 4 stars; one submission).

Conditions:
Familial cancer of breast. Also called: hereditary breast carcinoma; BREAST CANCER, FAMILIAL; Hereditary breast cancer. Identifiers: Orphanet 227535, MedGen C0346153, MONDO:0016419, OMIM 114480. Disease mechanism: loss of function.

Submission:

Labcorp Genetics (formerly Invitae), Labcorp
Classification: Uncertain significance for Familial cancer of breast. Last evaluated: 2025-07-03. Review status: criteria provided, single submitter. Criteria: Invitae Variant Classification Sherloc (09022015). Collection method: clinical testing. Allele origin: germline.
Comment: This sequence change falls in intron 10 of the CHEK2 gene. It does not directly change the encoded amino acid sequence of the CHEK2 protein. This variant is not present in population databases (gnomAD no frequency). This variant has not been reported in the literature in individuals affected with CHEK2-related conditions. Algorithms developed to predict the effect of sequence changes on RNA splicing suggest that this variant may disrupt the consensus splice site. In summary, the available evidence is currently insufficient to determine the role of this variant in disease. Therefore, it has been classified as a Variant of Uncertain Significance.

NM_007194.4(CHEK2):c.1096-5T>A

Gene: CHEK2 (checkpoint kinase 2; minus strand). Cytogenetic location: 22q12.1.
Variant type: single nucleotide variant.
Coding change: c.1096-5T>A on transcript NM_007194.4 (MANE Select); 5 bases into the intron before coding-DNA position 1096, T replaced by A.
Molecular consequence: intron variant.
Genome position (GRCh38, 1-based): chr22:28,695,878, A>T on the plus strand (T>A on the coding strand, the complement: CHEK2 is on the minus strand). VCF-style: chr22-28695878-A-T. GRCh37 (hg19) VCF-style: chr22-29091866-A-T.
Other names: c.433-5T>A (NM_001437942.1, NM_001257387.3); c.895-5T>A (NM_001349956.3); c.1009-5T>A (NM_145862.3); c.1102-5T>A (NM_001438295.1); c.1189-5T>A (NM_001438293.1); c.1138-5T>A (NM_001438294.1); c.1225-5T>A (NM_001005735.3).
Identifiers: ClinVar variation 4722454 (VCV004722454.1).